The following is an entry in ClinVar:

ClinVar aggregate classification (germline): Pathogenic/Likely pathogenic. Review status: criteria provided, multiple submitters, no conflicts (2 of 4 stars). 3 submissions from 3 submitters: Pathogenic (1); Likely pathogenic (1). 1 of the submissions does not count toward it. Last evaluated 2025-05-29.

Conditions:
Niemann-Pick disease, type C1, juvenile form. Identifiers: MedGen C4017106.
Niemann-Pick disease, type C1. Also called: NEUROVISCERAL STORAGE DISEASE WITH VERTICAL SUPRANUCLEAR OPHTHALMOPLEGIA; NIEMANN-PICK DISEASE WITH CHOLESTEROL ESTERIFICATION BLOCK; NIEMANN-PICK DISEASE WITHOUT SPHINGOMYELINASE DEFICIENCY; NIEMANN-PICK DISEASE, CHRONIC NEURONOPATHIC FORM; NIEMANN-PICK DISEASE, VARIANT TYPE C1. Identifiers: Orphanet 646, MedGen C3179455, MONDO:0009757, OMIM 257220.

Allele frequency attached by ClinVar (database versions not stated): gnomAD exomes below 0.00001.
gnomAD v4.1: 6 of 1,613,608 alleles (0.00037%); highest among the groups gnomAD compares: East Asian, 0.0022%; no homozygotes.

Submissions (3):

Myriad Genetics, Inc.
Classification: Likely pathogenic for Niemann-Pick disease, type C1. Last evaluated: 2025-05-29. Review status: criteria provided, single submitter. Criteria: Myriad Autosomal Dominant, Autosomal Recessive and X-Linked Classification Criteria (2023). Collection method: clinical testing. Allele origin: unknown.
Comment: NM_000271.4(NPC1):c.3263A>G(Y1088C) is a missense variant classified as likely pathogenic in the context of Niemann-Pick disease type C1. Y1088C has been observed in cases with relevant disease (PMID: 15130691, 26666848, 33258288, 38448301, 23711246, 30078120, 36265573). Relevant functional assessments of this variant are available in the literature (PMID: 31699992, 28193631). Y1088C has not been observed in referenced population frequency databases. In summary, NM_000271.4(NPC1):c.3263A>G(Y1088C) is a missense variant that has been observed more frequently in cases with the relevant disease than in healthy populations. Please note: this variant was assessed in the context of healthy population screening.

Labcorp Genetics (formerly Invitae), Labcorp
Classification: Pathogenic for Niemann-Pick disease, type C1. Last evaluated: 2023-03-23. Review status: criteria provided, single submitter. Criteria: Invitae Variant Classification Sherloc (09022015). Collection method: clinical testing. Allele origin: germline.
Comment: For these reasons, this variant has been classified as Pathogenic. Advanced modeling of protein sequence and biophysical properties (such as structural, functional, and spatial information, amino acid conservation, physicochemical variation, residue mobility, and thermodynamic stability) performed at Invitae indicates that this missense variant is expected to disrupt NPC1 protein function. Experimental studies have shown that this missense change affects NPC1 function (PMID: 31699992). This sequence change replaces tyrosine, which is neutral and polar, with cysteine, which is neutral and slightly polar, at codon 1088 of the NPC1 protein (p.Tyr1088Cys). This variant is not present in population databases (gnomAD no frequency). This missense change has been observed in individuals with NPC1-related conditions (PMID: 10480349, 23711246, 26666848). ClinVar contains an entry for this variant (Variation ID: 2964).

OMIM
Classification: Pathogenic for NIEMANN-PICK DISEASE, TYPE C1, JUVENILE FORM. Last evaluated: 1999-07-01. Review status: no assertion criteria provided. Collection method: literature only. Allele origin: germline. Not counted in ClinVar's aggregate classification.

Literature cited by the submitters: PubMed 15130691 (cited by Myriad Genetics, Inc.); PubMed 23711246 (cited by Myriad Genetics, Inc. and Labcorp Genetics (formerly Invitae), Labcorp); PubMed 26666848 (cited by Myriad Genetics, Inc. and Labcorp Genetics (formerly Invitae), Labcorp); PubMed 28193631 (cited by Myriad Genetics, Inc.); PubMed 30078120 (cited by Myriad Genetics, Inc.); PubMed 31699992 (cited by Myriad Genetics, Inc. and Labcorp Genetics (formerly Invitae), Labcorp); PubMed 33258288 (cited by Myriad Genetics, Inc.); PubMed 36265573 (cited by Myriad Genetics, Inc.); PubMed 38448301 (cited by Myriad Genetics, Inc.); PubMed 10480349 (cited by Labcorp Genetics (formerly Invitae), Labcorp and OMIM).

NM_000271.5(NPC1):c.3263A>G (p.Tyr1088Cys)

Gene: NPC1 (NPC intracellular cholesterol transporter 1; minus strand). Cytogenetic location: 18q11.2.
Variant type: single nucleotide variant.
Coding change: c.3263A>G on transcript NM_000271.5 (MANE Select); coding-DNA position 3263, A replaced by G.
Protein change: p.Tyr1088Cys; replaces tyrosine 1088 with cysteine.
Molecular consequence: missense variant.
Genome position (GRCh38, 1-based): chr18:23,535,683, T>C on the plus strand (A>G on the coding strand, the complement: NPC1 is on the minus strand). VCF-style: chr18-23535683-T-C. GRCh37 (hg19) VCF-style: chr18-21115647-T-C.
Other names: short protein forms Y1088C.
Identifiers: ClinVar variation 2964 (VCV000002964.12), dbSNP rs28942106, ClinGen allele CA115897.